The following is an entry in ClinVar:

ClinVar aggregate classification (germline): Uncertain significance. Review status: criteria provided, multiple submitters, no conflicts (2 of 4 stars). 2 submissions from 2 submitters: Uncertain significance (2). Last evaluated 2024-04-17.

Conditions:
Hereditary cancer-predisposing syndrome. Also called: Neoplastic Syndromes, Hereditary; Tumor predisposition; Hereditary Cancer Syndrome; Hereditary neoplastic syndrome. Identifiers: Orphanet 140162, MedGen C0027672, MeSH D009386, MONDO:0015356.

Submissions (2):

Ambry Genetics
Classification: Uncertain significance for Hereditary cancer-predisposing syndrome. Last evaluated: 2024-04-17. Review status: criteria provided, single submitter. Criteria: Ambry Variant Classification Scheme 2023. Collection method: clinical testing. Allele origin: germline.
Comment: The p.Y1381C variant (also known as c.4142A>G), located in coding exon 32 of the POLE gene, results from an A to G substitution at nucleotide position 4142. The tyrosine at codon 1381 is replaced by cysteine, an amino acid with highly dissimilar properties. This amino acid position is conserved. In addition, this alteration is predicted to be tolerated by in silico analysis. Based on the available evidence, the clinical significance of this variant remains unclear.

Labcorp Genetics (formerly Invitae), Labcorp
Classification: Uncertain significance. Last evaluated: 2023-08-24. Review status: criteria provided, single submitter. Criteria: Invitae Variant Classification Sherloc (09022015). Collection method: clinical testing. Allele origin: germline.
Comment: This sequence change replaces tyrosine, which is neutral and polar, with cysteine, which is neutral and slightly polar, at codon 1381 of the POLE protein (p.Tyr1381Cys). This variant is not present in population databases (gnomAD no frequency). This variant has not been reported in the literature in individuals affected with POLE-related conditions. ClinVar contains an entry for this variant (Variation ID: 639626). Advanced modeling of protein sequence and biophysical properties (such as structural, functional, and spatial information, amino acid conservation, physicochemical variation, residue mobility, and thermodynamic stability) performed at Invitae indicates that this missense variant is not expected to disrupt POLE protein function. In summary, the available evidence is currently insufficient to determine the role of this variant in disease. Therefore, it has been classified as a Variant of Uncertain Significance.

NM_006231.4(POLE):c.4142A>G (p.Tyr1381Cys)

Gene: POLE (DNA polymerase epsilon, catalytic subunit; minus strand). Cytogenetic location: 12q24.33.
Variant type: single nucleotide variant.
Coding change: c.4142A>G on transcript NM_006231.4 (MANE Select); coding-DNA position 4142, A replaced by G.
Protein change: p.Tyr1381Cys; replaces tyrosine 1381 with cysteine.
Molecular consequence: missense variant.
Genome position (GRCh38, 1-based): chr12:132,648,936, T>C on the plus strand (A>G on the coding strand, the complement: POLE is on the minus strand). VCF-style: chr12-132648936-T-C. GRCh37 (hg19) VCF-style: chr12-133225522-T-C.
Other names: c.4142A>G (NM_006231.2); short protein forms Y1381C.
Identifiers: ClinVar variation 639626 (VCV000639626.9), dbSNP rs1593748376, ClinGen allele CA387383585.